The following is an entry in ClinVar:

NM_000283.4(PDE6B):c.109G>A (p.Glu37Lys)

Gene: PDE6B (phosphodiesterase 6B; plus strand). Cytogenetic location: 4p16.3.
Variant type: single nucleotide variant.
Coding change: c.109G>A on transcript NM_000283.4 (MANE Select); coding-DNA position 109, G replaced by A.
Protein change: p.Glu37Lys; replaces glutamic acid 37 with lysine.
Molecular consequence: missense variant.
Genome position (GRCh38, 1-based): chr4:625,735, G>A. VCF-style: chr4-625735-G-A. GRCh37 (hg19) VCF-style: chr4-619524-G-A.
Other names: c.109G>A, p.Glu37Lys (NM_001145291.2); short protein forms E37K.
Identifiers: ClinVar variation 903661 (VCV000903661.14), dbSNP rs376908835, ClinGen allele CA2793844.

ClinVar aggregate classification (germline): Uncertain significance. Review status: criteria provided, multiple submitters, no conflicts (2 of 4 stars). 5 submissions from 4 submitters: Uncertain significance (5). Last evaluated 2026-08-05.

Conditions:
Congenital stationary night blindness autosomal dominant 2. Also called: NIGHT BLINDNESS, CONGENITAL STATIONARY, RAMBUSCH TYPE. Identifiers: Orphanet 215, MedGen C1876182, MONDO:0008099, OMIM 163500.
Inborn genetic diseases. Identifiers: MedGen C0950123, MeSH D030342.
PDE6B-related disorder. Also called: PDE6B-related disorders; PDE6B-related disease; PDE6B-related condition.
Retinitis pigmentosa (RP). Identifiers: Orphanet 791, MedGen C0035334, MeSH D012174, MONDO:0019200, OMIM 268000. Inheritance: Autosomal dominant, autosomal recessive and X linked inheritance.

Allele frequency attached by ClinVar (database versions not stated): gnomAD 0.00001; TOPMed 0.00001; ExAC 0.00002; gnomAD exomes 0.00002; ESP Exome Variant Server 0.00008.
gnomAD v4.1: 24 of 1,613,336 alleles (0.0015%); highest among the groups gnomAD compares: South Asian, 0.012%; 1 homozygote.

Submissions (5):

PreventionGenetics, part of Exact Sciences
Classification: Uncertain significance for PDE6B-related condition. Last evaluated: 2026-08-05. Review status: criteria provided, single submitter. Criteria: ACMG Guidelines, 2015. Collection method: clinical testing. Allele origin: germline.
Comment: The PDE6B c.109G>A variant is predicted to result in the amino acid substitution p.Glu37Lys. To our knowledge, this variant has not been reported in the literature. This variant is present in 0.0065% of alleles in individuals of South Asian descent in gnomAD. At this time, the clinical significance of this variant is uncertain due to the absence of conclusive functional and genetic evidence.

Labcorp Genetics (formerly Invitae), Labcorp
Classification: Uncertain significance. Last evaluated: 2025-04-16. Review status: criteria provided, single submitter. Criteria: Invitae Variant Classification Sherloc (09022015). Collection method: clinical testing. Allele origin: germline.
Comment: This sequence change replaces glutamic acid, which is acidic and polar, with lysine, which is basic and polar, at codon 37 of the PDE6B protein (p.Glu37Lys). This variant is present in population databases (rs376908835, gnomAD 0.006%). This variant has not been reported in the literature in individuals affected with PDE6B-related conditions. ClinVar contains an entry for this variant (Variation ID: 903661). Invitae Evidence Modeling of protein sequence and biophysical properties (such as structural, functional, and spatial information, amino acid conservation, physicochemical variation, residue mobility, and thermodynamic stability) indicates that this missense variant is not expected to disrupt PDE6B protein function with a negative predictive value of 95%. In summary, the available evidence is currently insufficient to determine the role of this variant in disease. Therefore, it has been classified as a Variant of Uncertain Significance.

Ambry Genetics
Classification: Uncertain significance for Inborn genetic diseases. Last evaluated: 2023-02-28. Review status: criteria provided, single submitter. Criteria: Ambry Variant Classification Scheme 2023. Collection method: clinical testing. Allele origin: germline.

Illumina Laboratory Services, Illumina
Classification: Uncertain significance for Retinitis pigmentosa. Last evaluated: 2018-01-12. Review status: criteria provided, single submitter. Criteria: ICSL Variant Classification Criteria 13 December 2019. Collection method: clinical testing. Allele origin: germline.

Illumina Laboratory Services, Illumina
Classification: Uncertain significance for Congenital stationary night blindness autosomal dominant 2. Last evaluated: 2018-01-12. Review status: criteria provided, single submitter. Criteria: ICSL Variant Classification Criteria 13 December 2019. Collection method: clinical testing. Allele origin: germline.